The following is an entry in ClinVar:

NM_006939.4(SOS2):c.1282G>A (p.Asp428Asn)

Gene: SOS2 (SOS Ras/Rho guanine nucleotide exchange factor 2; minus strand). Cytogenetic location: 14q21.3.
Variant type: single nucleotide variant.
Coding change: c.1282G>A on transcript NM_006939.4 (MANE Select); coding-DNA position 1282, G replaced by A.
Protein change: p.Asp428Asn; replaces aspartic acid 428 with asparagine.
Molecular consequence: missense variant.
Genome position (GRCh38, 1-based): chr14:50,160,001, C>T on the plus strand (G>A on the coding strand, the complement: SOS2 is on the minus strand). VCF-style: chr14-50160001-C-T. GRCh37 (hg19) VCF-style: chr14-50626719-C-T.
Other names: c.1282G>A (NM_006939.2); short protein forms D428N.
Identifiers: ClinVar variation 1329033 (VCV001329033.5), dbSNP rs146283711, ClinGen allele CA7177296.
Genomic context (GRCh38, chr14:50,160,001, plus strand): 5'-ATGGTCCCTCCATAATGAATTCATTACAACACTGTCCAATATCTTTGCCTTCCCATCCAT[C>T]GATATTTTTCTGAATTTCATTCATTTTTTTGATAGCCAGGTGTTTGCTTCTTAATTGGTG-3'
Protein context (NP_008870.2, residues 418-438): KKMNEIQKNI[Asp428Asn]GWEGKDIGQC

ClinVar aggregate classification (germline): Uncertain significance. Review status: criteria provided, multiple submitters, no conflicts (2 of 4 stars). 3 submissions from 3 submitters: Uncertain significance (3). Last evaluated 2025-10-30.

Conditions:
Cardiovascular phenotype. Identifiers: MedGen CN230736.
Noonan syndrome 9 (NS9). Identifiers: Orphanet 648, MedGen C4225282, MONDO:0014691, OMIM 616559.

Allele frequency attached by ClinVar (database versions not stated): gnomAD exomes below 0.00001; TOPMed 0.00002; gnomAD 0.00003.
gnomAD v4.1: 10 of 1,613,742 alleles (0.00062%); highest among the groups gnomAD compares: Non-Finnish European, 0.00085%; no homozygotes.

Submissions (3):

Ambry Genetics
Classification: Uncertain significance for Cardiovascular phenotype. Last evaluated: 2025-10-30. Review status: criteria provided, single submitter. Criteria: Ambry Variant Classification Scheme 2023. Collection method: clinical testing. Allele origin: germline.

Labcorp Genetics (formerly Invitae), Labcorp
Classification: Uncertain significance for Noonan syndrome 9. Last evaluated: 2025-02-15. Review status: criteria provided, single submitter. Criteria: Invitae Variant Classification Sherloc (09022015). Collection method: clinical testing. Allele origin: germline.
Comment: This sequence change replaces aspartic acid, which is acidic and polar, with asparagine, which is neutral and polar, at codon 428 of the SOS2 protein (p.Asp428Asn). This variant is present in population databases (rs146283711, gnomAD 0.002%). This variant has not been reported in the literature in individuals affected with SOS2-related conditions. ClinVar contains an entry for this variant (Variation ID: 1329033). Invitae Evidence Modeling of protein sequence and biophysical properties (such as structural, functional, and spatial information, amino acid conservation, physicochemical variation, residue mobility, and thermodynamic stability) indicates that this missense variant is not expected to disrupt SOS2 protein function with a negative predictive value of 95%. In summary, the available evidence is currently insufficient to determine the role of this variant in disease. Therefore, it has been classified as a Variant of Uncertain Significance.

Women's Health and Genetics/Laboratory Corporation of America, LabCorp
Classification: Uncertain significance. Last evaluated: 2021-11-29. Review status: criteria provided, single submitter. Criteria: LabCorp Variant Classification Summary - May 2015. Collection method: clinical testing. Allele origin: germline.